The following is an entry in ClinVar:

ClinVar aggregate classification (germline): Uncertain significance (1 of 4 stars; one submission).

Conditions:
Arrhythmogenic cardiomyopathy with wooly hair and keratoderma. Also called: Carvajal syndrome; PALMOPLANTAR KERATODERMA WITH LEFT VENTRICULAR CARDIOMYOPATHY AND WOOLLY HAIR; Dilated cardiomyopathy with woolly hair and keratoderma; Arrhythmogenic cardiomyopathy with woolly hair and keratoderma. Identifiers: Orphanet 65282, MedGen C1854063, MONDO:0011581, OMIM 605676.

Allele frequency attached by ClinVar (database versions not stated): gnomAD exomes below 0.00001.
gnomAD v4.1: 2 of 1,614,098 alleles (0.00012%); highest among the groups gnomAD compares: South Asian, 0.0022%; no homozygotes.

Submission:

All of Us Research Program, National Institutes of Health
Classification: Uncertain significance for Arrhythmogenic cardiomyopathy with wooly hair and keratoderma. Last evaluated: 2023-02-24. Review status: criteria provided, single submitter. Criteria: ACMG Guidelines, 2015. Collection method: clinical testing. Allele origin: germline. Inheritance: Autosomal dominant inheritance. Observed: 1 variant allele, 1 heterozygote.
Comment: This missense variant replaces alanine with threonine at codon 1877 of the DSP protein. Computational prediction suggests that this variant may not impact protein structure and function (internally defined REVEL score threshold <= 0.5, PMID: 27666373). To our knowledge, functional studies have not been reported for this variant. This variant has not been reported in individuals affected with DSP-related disorders in the literature. This variant has not been identified in the general population by the Genome Aggregation Database (gnomAD). The available evidence is insufficient to determine the role of this variant in disease conclusively. Therefore, this variant is classified as a Variant of Uncertain Significance.

This study involves interpretation of variants in research participants for the purpose of population health screening. Participant phenotype was not available at the time of variant classification. Additional details can be found in publication PMID: 35346344, PMCID: PMC8962531

NM_004415.4(DSP):c.5629G>A (p.Ala1877Thr)

Gene: DSP (desmoplakin; plus strand). Cytogenetic location: 6p24.3.
Variant type: single nucleotide variant.
Coding change: c.5629G>A on transcript NM_004415.4 (MANE Select); coding-DNA position 5629, G replaced by A.
Protein change: p.Ala1877Thr; replaces alanine 1877 with threonine.
Molecular consequence: missense variant.
Genome position (GRCh38, 1-based): chr6:7,582,891, G>A. VCF-style: chr6-7582891-G-A. GRCh37 (hg19) VCF-style: chr6-7583124-G-A.
Other names: c.3832G>A, p.Ala1278Thr (NM_001008844.3); c.4300G>A, p.Ala1434Thr (NM_001319034.2); short protein forms A1278T, A1434T, A1877T.
Identifiers: ClinVar variation 3069644 (VCV003069644.1), dbSNP rs2533936711, ClinGen allele CA362689050.